The following is an entry in ClinVar:

NM_001386795.1(DTNA):c.1355A>G (p.Glu452Gly)

Gene: DTNA (dystrobrevin alpha; plus strand). Cytogenetic location: 18q12.1.
Variant type: single nucleotide variant.
Coding change: c.1355A>G on transcript NM_001386795.1 (MANE Select); coding-DNA position 1355, A replaced by G.
Protein change: p.Glu452Gly; replaces glutamic acid 452 with glycine.
Molecular consequence: missense variant. On other transcripts: intron variant (1).
Genome position (GRCh38, 1-based): chr18:34,848,304, A>G. VCF-style: chr18-34848304-A-G. GRCh37 (hg19) VCF-style: chr18-32428268-A-G.
Other names: c.1094A>G, p.Glu365Gly (NM_001198938.2, NM_001198939.2, NM_001198940.2 and 13 more transcripts); c.401A>G, p.Glu134Gly (NM_001198942.1); c.344A>G, p.Glu115Gly (NM_001198943.1); c.230A>G, p.Glu77Gly (NM_001198944.1); c.1184A>G, p.Glu395Gly (NM_001386754.1, NM_001386755.1, NM_001386756.1 and 5 more transcripts); c.1103A>G, p.Glu368Gly (NM_001386761.1, NM_001386762.1, NM_032975.4 and 1 more transcripts); c.1355A>G, p.Glu452Gly (NM_001386788.1); c.1274A>G, p.Glu425Gly (NM_001390.5, NM_001391.5); and 4 more; short protein forms E368G, E73G, E77G, E115G, E395G, E425G, E134G, E365G.
Identifiers: ClinVar variation 2192221 (VCV002192221.4), dbSNP rs374916548, ClinGen allele CA8935691.

ClinVar aggregate classification (germline): Uncertain significance (1 of 4 stars; one submission).

Conditions:
Left ventricular noncompaction 1 (LVNC1). Also called: LEFT VENTRICULAR NONCOMPACTION 1 WITH OR WITHOUT CONGENITAL HEART DEFECTS. Identifiers: Orphanet 54260, MedGen C1858725, MONDO:0011403, OMIM 604169.

Allele frequency attached by ClinVar (database versions not stated): gnomAD exomes below 0.00001; ExAC 0.00001; gnomAD 0.00001; TOPMed 0.00001; ESP Exome Variant Server 0.00015.
gnomAD v4.1: 2 of 1,613,862 alleles (0.00012%); highest among the groups gnomAD compares: Non-Finnish European, 0.00017%; no homozygotes.

Submission:

Labcorp Genetics (formerly Invitae), Labcorp
Classification: Uncertain significance for Left ventricular noncompaction 1. Last evaluated: 2025-09-27. Review status: criteria provided, single submitter. Criteria: Invitae Variant Classification Sherloc (09022015). Collection method: clinical testing. Allele origin: germline.
Comment: This sequence change replaces glutamic acid, which is acidic and polar, with glycine, which is neutral and non-polar, at codon 425 of the DTNA protein (p.Glu425Gly). This variant is present in population databases (rs374916548, gnomAD 0.002%). This variant has not been reported in the literature in individuals affected with DTNA-related conditions. ClinVar contains an entry for this variant (Variation ID: 2192221). An algorithm developed to predict the effect of missense changes on protein structure and function (PolyPhen-2) suggests that this variant is likely to be tolerated. In summary, the available evidence is currently insufficient to determine the role of this variant in disease. Therefore, it has been classified as a Variant of Uncertain Significance.